The following is an entry in ClinVar:

NM_022489.4(INF2):c.2043G>A (p.Glu681=)

Gene: INF2 (inverted formin 2; plus strand). Cytogenetic location: 14q32.33.
Variant type: single nucleotide variant.
Coding change: c.2043G>A on transcript NM_022489.4 (MANE Select); coding-DNA position 2043, G replaced by A.
Protein change: p.Glu681=; no amino-acid change (glutamic acid 681 retained).
Molecular consequence: synonymous variant.
Genome position (GRCh38, 1-based): chr14:104,709,374, G>A. VCF-style: chr14-104709374-G-A. GRCh37 (hg19) VCF-style: chr14-105175711-G-A.
Other names: c.2043G>A, p.Glu681= (NM_001031714.4).
Identifiers: ClinVar variation 704335 (VCV000704335.14), dbSNP rs776591878, ClinGen allele CA7372781.

ClinVar aggregate classification (germline): Likely benign. Review status: criteria provided, multiple submitters, no conflicts (2 of 4 stars). 3 submissions from 3 submitters: Likely benign (2). 1 of the submissions does not count toward it. Last evaluated 2025-09-17.

Conditions:
INF2-related disorder. Also called: INF2-related condition.
Charcot-Marie-Tooth disease dominant intermediate E. Also called: CHARCOT-MARIE-TOOTH NEUROPATHY WITH FOCAL SEGMENTAL GLOMERULONEPHRITIS. Identifiers: Orphanet 93114, MedGen C4302667, MONDO:0013758, OMIM 614455.
Focal segmental glomerulosclerosis 5 (FSGS5). Identifiers: Orphanet 656, MedGen C2750475, MONDO:0013191, OMIM 613237.

Allele frequency attached by ClinVar (database versions not stated): gnomAD exomes 0.00002; ExAC 0.00003; gnomAD 0.00003 and 0.00004; TOPMed 0.00003.
gnomAD v4.1: 34 of 1,612,410 alleles (0.0021%); highest among the groups gnomAD compares: Middle Eastern, 0.033%; no homozygotes.

Submissions (3):

Labcorp Genetics (formerly Invitae), Labcorp
Classification: Likely benign for Charcot-Marie-Tooth disease dominant intermediate E; Focal segmental glomerulosclerosis 5. Last evaluated: 2025-09-17. Review status: criteria provided, single submitter. Criteria: Invitae Variant Classification Sherloc (09022015). Collection method: clinical testing. Allele origin: germline.

ARUP Laboratories, Molecular Genetics and Genomics, ARUP Laboratories
Classification: Likely benign. Last evaluated: 2022-09-20. Review status: criteria provided, single submitter. Criteria: ARUP Molecular Germline Variant Investigation Process 2021. Collection method: clinical testing. Allele origin: germline.

PreventionGenetics, part of Exact Sciences
Classification: Likely benign for INF2-related condition. Last evaluated: 2019-10-22. Review status: no assertion criteria provided. Collection method: clinical testing. Allele origin: germline. Not counted in ClinVar's aggregate classification.
Comment: This variant is classified as likely benign based on ACMG/AMP sequence variant interpretation guidelines (Richards et al. 2015 PMID: 25741868, with internal and published modifications).